The following is an entry in ClinVar:

ClinVar aggregate classification (germline): Uncertain significance (1 of 4 stars; one submission).

Allele frequency attached by ClinVar (database versions not stated): gnomAD exomes 0.00001.
gnomAD v4.1: 10 of 1,610,958 alleles (0.00062%); highest among the groups gnomAD compares: Non-Finnish European, 0.00085%; no homozygotes.

Submission:

Labcorp Genetics (formerly Invitae), Labcorp
Classification: Uncertain significance. Last evaluated: 2025-05-16. Review status: criteria provided, single submitter. Criteria: Invitae Variant Classification Sherloc (09022015). Collection method: clinical testing. Allele origin: germline.
Comment: This sequence change replaces glutamine, which is neutral and polar, with arginine, which is basic and polar, at codon 185 of the ARHGEF1 protein (p.Gln185Arg). This variant is present in population databases (no rsID available, gnomAD 0.0009%). This variant has not been reported in the literature in individuals affected with ARHGEF1-related conditions. ClinVar contains an entry for this variant (Variation ID: 2897862). An algorithm developed to predict the effect of missense changes on protein structure and function (PolyPhen-2) suggests that this variant is likely to be tolerated. In summary, the available evidence is currently insufficient to determine the role of this variant in disease. Therefore, it has been classified as a Variant of Uncertain Significance.

NM_004706.4(ARHGEF1):c.509A>G (p.Gln170Arg)

Gene: ARHGEF1 (Rho guanine nucleotide exchange factor 1; plus strand). Cytogenetic location: 19q13.2.
Variant type: single nucleotide variant.
Coding change: c.509A>G on transcript NM_004706.4 (MANE Select); coding-DNA position 509, A replaced by G.
Protein change: p.Gln170Arg; replaces glutamine 170 with arginine.
Molecular consequence: missense variant. On other transcripts: non-coding transcript variant (2).
Genome position (GRCh38, 1-based): chr19:41,892,744, A>G. VCF-style: chr19-41892744-A-G. GRCh37 (hg19) VCF-style: chr19-42396815-A-G.
Other names: c.509A>G, p.Gln170Arg (NM_001396000.1, NM_001396003.1, NM_001396006.1); c.410A>G, p.Gln137Arg (NM_001396002.1, NM_001396004.1, NM_198977.2); c.554A>G, p.Gln185Arg (NM_199002.2); short protein forms Q170R, Q185R, Q137R.
Identifiers: ClinVar variation 2897862 (VCV002897862.3), dbSNP rs1555846530, ClinGen allele CA406048199.
Genomic context (GRCh38, chr19:41,892,744, plus strand): 5'-TGGGCCGGCAGCTGGAGGACTTCCGTTCCAAGCGGCTCATGGGCATGACGCCCTGGGAGC[A>G]GGAGCTGGCCCAGCTGGAGGCTTGGGTTGGGCGGGACCGAGCCAGCTACGAGGCCCGGGA-3'
Protein context (NP_004697.2, residues 160-180): KRLMGMTPWE[Gln170Arg]ELAQLEAWVG